The following is an entry in ClinVar:

ClinVar aggregate classification (germline): Likely benign. Review status: criteria provided, single submitter (1 of 4 stars). 2 submissions from 2 submitters: Likely benign (1). 1 of the submissions does not count toward it. Last evaluated 2022-05-12.

Conditions:
IFT172-related disorder. Also called: IFT172-related disorders; IFT172-related condition.
Retinitis pigmentosa 71 (RP71). Identifiers: Orphanet 791, MedGen C4225342, MONDO:0014618, OMIM 616394.
Short-rib thoracic dysplasia 10 with or without polydactyly (SRTD10). Identifiers: Orphanet 474, MedGen C3810175, MONDO:0014284, OMIM 615630.

Allele frequency attached by ClinVar (database versions not stated): TOPMed below 0.00001.

Submissions (2):

Labcorp Genetics (formerly Invitae), Labcorp
Classification: Likely benign for Retinitis pigmentosa 71; Short-rib thoracic dysplasia 10 with or without polydactyly. Last evaluated: 2022-05-12. Review status: criteria provided, single submitter. Criteria: Invitae Variant Classification Sherloc (09022015). Collection method: clinical testing. Allele origin: germline.

PreventionGenetics, part of Exact Sciences
Classification: Likely benign for IFT172-related condition. Last evaluated: 2022-07-31. Review status: no assertion criteria provided. Collection method: clinical testing. Allele origin: germline. Not counted in ClinVar's aggregate classification.
Comment: This variant is classified as likely benign based on ACMG/AMP sequence variant interpretation guidelines (Richards et al. 2015 PMID: 25741868, with internal and published modifications).

NM_015662.3(IFT172):c.3801A>G (p.Glu1267=)

Genes: IFT172 (intraflagellar transport 172; minus strand), LOC126806173 (BRD4-independent group 4 enhancer GRCh37_chr2:27676057-27677256; plus strand). Cytogenetic location: 2p23.3.
Variant type: single nucleotide variant.
Coding change: c.3801A>G on transcript NM_015662.3 (MANE Select); coding-DNA position 3801, A replaced by G.
Protein change: p.Glu1267=; no amino-acid change (glutamic acid 1267 retained).
Molecular consequence: synonymous variant.
Genome position (GRCh38, 1-based): chr2:27,453,650, T>C on the plus strand (A>G on the coding strand, the complement: IFT172 is on the minus strand). VCF-style: chr2-27453650-T-C. GRCh37 (hg19) VCF-style: chr2-27676517-T-C.
Other names: c.3735A>G, p.Glu1245= (NM_001410739.1); c.3801A>G (NM_015662.2).
Identifiers: ClinVar variation 1993791 (VCV001993791.5), dbSNP rs1665905318, ClinGen allele CA425608998.